The following is an entry in ClinVar:

ClinVar aggregate classification (germline): Pathogenic. Review status: criteria provided, multiple submitters, no conflicts (2 of 4 stars). 2 submissions from 2 submitters: Pathogenic (2). Last evaluated 2026-08-26.

Conditions:
Pheochromocytoma/paraganglioma syndrome 5. Also called: Paragangliomas 5; SDHA-Related Hereditary Paraganglioma-Pheochromocytoma Syndrome. Identifiers: Orphanet 29072, MedGen C3279992, MONDO:0013602, OMIM 614165.
Mitochondrial complex II deficiency, nuclear type 1. Also called: SUCCINATE CoQ REDUCTASE DEFICIENCY. Identifiers: Orphanet 3208, MedGen C5700310, MONDO:0100294, OMIM 252011.

Allele frequency attached by ClinVar (database versions not stated): gnomAD exomes below 0.00001.
gnomAD v4.1: 2 of 1,612,612 alleles (0.00012%); highest among the groups gnomAD compares: Non-Finnish European, 0.00017%; no homozygotes.

Submissions (2):

Myriad Genetics, Inc.
Classification: Pathogenic for Pheochromocytoma/paraganglioma syndrome 5. Last evaluated: 2026-08-26. Review status: criteria provided, single submitter. Criteria: Myriad Autosomal Dominant, Autosomal Recessive and X-Linked Classification Criteria (2023). Collection method: clinical testing. Allele origin: unknown.
Comment: This variant is considered pathogenic. This variant occurs within a consensus splice junction and is predicted to result in abnormal mRNA splicing of either an out-of-frame exon or an in-frame exon necessary for protein stability and/or normal function. This variant has been reported in multiple individuals with clinical features of gene-specific disease [PMID: 28384794, 26269449, 23612575].

Labcorp Genetics (formerly Invitae), Labcorp
Classification: Pathogenic for Pheochromocytoma/paraganglioma syndrome 5; Mitochondrial complex II deficiency, nuclear type 1. Last evaluated: 2024-04-30. Review status: criteria provided, single submitter. Criteria: Invitae Variant Classification Sherloc (09022015). Collection method: clinical testing. Allele origin: germline.
Comment: This sequence change affects an acceptor splice site in intron 4 of the SDHA gene. RNA analysis indicates that disruption of this splice site induces altered splicing and may result in an absent or disrupted protein product. This variant is not present in population databases (gnomAD no frequency). Disruption of this splice site has been observed in individuals with clinical features of SDHA-related conditions (PMID: 26269449, 28384794). ClinVar contains an entry for this variant (Variation ID: 2203601). Studies have shown that disruption of this splice site results in activation of a cryptic splice site and introduces a premature termination codon (Invitae). The resulting mRNA is expected to undergo nonsense-mediated decay. For these reasons, this variant has been classified as Pathogenic.

Literature cited by the submitters: PubMed 28384794 (cited by Myriad Genetics, Inc. and Labcorp Genetics (formerly Invitae), Labcorp); PubMed 26269449 (cited by Myriad Genetics, Inc. and Labcorp Genetics (formerly Invitae), Labcorp); PubMed 23612575 (cited by Myriad Genetics, Inc.).

NM_004168.4(SDHA):c.457-1G>A

Gene: SDHA (succinate dehydrogenase complex flavoprotein subunit A; plus strand). Cytogenetic location: 5p15.33.
Variant type: single nucleotide variant.
Coding change: c.457-1G>A on transcript NM_004168.4 (MANE Select); the canonical splice acceptor site of the intron before coding-DNA position 457, G replaced by A.
Molecular consequence: splice acceptor variant.
Genome position (GRCh38, 1-based): chr5:225,882, G>A. VCF-style: chr5-225882-G-A. GRCh37 (hg19) VCF-style: chr5-225997-G-A.
Other names: c.457-1G>A (NM_001330758.2); c.313-1G>A (NM_001294332.2).
Identifiers: ClinVar variation 2203601 (VCV002203601.7), dbSNP rs2477298642, ClinGen allele CA359009775.
Genomic context (GRCh38, chr5:225,882, plus strand): 5'-GCTGCGAATATCTTGACTCCTTTAAGGTGTTAAGGTTTTTGTTTGTTTTTATCTTTCACA[G>A]CTAGAAAATTATGGCATGCCGTTTAGCAGAACTGAAGATGGGAAGATTTATCAGCGTGCA-3'